The following is an entry in ClinVar:

ClinVar aggregate classification (germline): Pathogenic/Likely pathogenic. Review status: criteria provided, multiple submitters, no conflicts (2 of 4 stars). 2 submissions from 2 submitters: Pathogenic (1); Likely pathogenic (1). Last evaluated 2024-10-25.

Conditions:
Propionic acidemia (PROP). Also called: GLYCINEMIA, KETOTIC; HYPERGLYCINEMIA WITH KETOACIDOSIS AND LEUKOPENIA; KETOTIC HYPERGLYCINEMIA. Identifiers: Orphanet 35, MedGen C0268579, MONDO:0011628, OMIM 606054, HP:0003571.

Submissions (2):

Myriad Genetics, Inc.
Classification: Pathogenic for Propionic acidemia. Last evaluated: 2024-10-25. Review status: criteria provided, single submitter. Criteria: Myriad Autosomal Dominant, Autosomal Recessive and X-Linked Classification Criteria (2023). Collection method: clinical testing. Allele origin: unknown.
Comment: NM_000282.3(PCCA):c.1147dupA(R383Kfs*6) is expected to be pathogenic in the context of PCCA-related propionic acidemia. This variant is predicted to lead to an abnormal or absent protein product due to the creation of a premature termination codon in PCCA, a gene where loss-of-function variants are known to be pathogenic. Please note: this variant was assessed in the context of healthy population screening.

Natera, Inc.
Classification: Likely pathogenic for Propionic acidemia. Last evaluated: 2024-08-20. Review status: criteria provided, single submitter. Criteria: Natera Variant Classification Schema (03/2026). Collection method: clinical testing. Allele origin: germline.
Comment: The c.1147dup variant in PCCA is a frameshift variant predicted to shift the reading frame beginning at codon 383 and leads to a stop codon 6 codons downstream. This variant is expected to result in nonsense mediated decay, truncation, or a dysfunctional protein product. This variant is rare in the general population with a frequency below the threshold expected for the associated phenotype(s). Given the available evidence, this variant is classified as Likely Pathogenic.

NM_000282.4(PCCA):c.1147dup (p.Arg383fs)

Gene: PCCA (propionyl-CoA carboxylase subunit alpha; plus strand). Cytogenetic location: 13q32.3.
Variant type: Duplication.
Coding change: c.1147dup on transcript NM_000282.4 (MANE Select); coding-DNA position 1147, one base duplicated (A; older notation c.1147dupA).
Protein change: p.Arg383fs; shifts the reading frame from arginine 383.
Molecular consequence: frameshift variant. On other transcripts: non-coding transcript variant (5), intron variant (3).
Genome position (GRCh38, 1-based): chr13:100,301,541, A duplicated. VCF-style (leftmost placement, unchanged base first): chr13-100301540-C-CA. GRCh37 (hg19) VCF-style: chr13-100953794-C-CA.
Other names: c.1069dup, p.Arg357fs (NM_001127692.3, NM_001352607.2); c.1147dup, p.Arg383fs (NM_001178004.2, NM_001352605.2, NM_001352609.2); c.202dup, p.Arg68fs (NM_001352610.2, NM_001352611.2); c.1066-1383dup (NM_001352606.2); c.121-1383dup (NM_001352612.2); c.988-1383dup (NM_001352608.2); short protein forms R357fs, R383fs, R68fs.
Identifiers: ClinVar variation 4818098 (VCV004818098.2).